The following is an entry in ClinVar:

ClinVar aggregate classification (germline): Uncertain significance (1 of 4 stars; one submission).

Submission:

GeneDx
Classification: Uncertain significance. Last evaluated: 2025-03-13. Review status: criteria provided, single submitter. Criteria: GeneDx Variant Classification Process June 2021. Collection method: clinical testing. Allele origin: germline. Affected: yes.
Comment: Not observed at significant frequency in large population cohorts (gnomAD); Frameshift variant predicted to result in protein truncation or nonsense mediated decay in a gene or region of a gene for which loss of function is not a well-established mechanism of disease; Has not been previously published as pathogenic or benign to our knowledge

NM_032482.3(DOT1L):c.3161del (p.Gly1054fs)

Gene: DOT1L (DOT1 like histone lysine methyltransferase; plus strand). Cytogenetic location: 19p13.3.
Variant type: Deletion.
Coding change: c.3161del on transcript NM_032482.3 (MANE Select); coding-DNA position 3161, one base deleted (G; older notation c.3161delG).
Protein change: p.Gly1054fs; shifts the reading frame from glycine 1054.
Molecular consequence: frameshift variant.
Genome position (GRCh38, 1-based): chr19:2,222,330, G deleted; the last of 3 consecutive G bases (chr19:2,222,328-2,222,330); deleting any one gives the same sequence. VCF-style (leftmost placement, unchanged base first): chr19-2222327-CG-C. GRCh37 (hg19) VCF-style: chr19-2222326-CG-C.
Other names: c.3161del, p.Gly1054fs (NM_001411141.1); short protein forms G1054fs.
Identifiers: ClinVar variation 4083352 (VCV004083352.1).